The following is an entry in ClinVar:

NM_024675.4(PALB2):c.1038A>G (p.Lys346=)

Gene: PALB2 (partner and localizer of BRCA2; minus strand). Cytogenetic location: 16p12.2.
Variant type: single nucleotide variant.
Coding change: c.1038A>G on transcript NM_024675.4 (MANE Select); coding-DNA position 1038, A replaced by G.
Protein change: p.Lys346=; no amino-acid change (lysine 346 retained).
Molecular consequence: synonymous variant.
Genome position (GRCh38, 1-based): chr16:23,635,508, T>C on the plus strand (A>G on the coding strand, the complement: PALB2 is on the minus strand). VCF-style: chr16-23635508-T-C. GRCh37 (hg19) VCF-style: chr16-23646829-T-C.
Identifiers: ClinVar variation 126584 (VCV000126584.13), dbSNP rs515726059, ClinGen allele CA269475.

ClinVar aggregate classification (germline): Benign/Likely benign. Review status: criteria provided, multiple submitters, no conflicts (2 of 4 stars). 4 submissions from 4 submitters: Benign (1); Likely benign (2). 1 of the submissions does not count toward it. Last evaluated 2025-01-13.

Conditions:
Hereditary cancer-predisposing syndrome. Also called: Hereditary Cancer Syndrome; Hereditary neoplastic syndrome; Tumor predisposition; Neoplastic Syndromes, Hereditary. Identifiers: Orphanet 140162, MedGen C0027672, MeSH D009386, MONDO:0015356.
Familial cancer of breast. Also called: BREAST CANCER, FAMILIAL; hereditary breast carcinoma; Hereditary breast cancer. Identifiers: Orphanet 227535, MedGen C0346153, MONDO:0016419, OMIM 114480. Disease mechanism: loss of function.

Allele frequency attached by ClinVar (database versions not stated): gnomAD 0.00001.

Submissions (4):

Myriad Genetics, Inc.
Classification: Benign for Familial cancer of breast. Last evaluated: 2025-01-13. Review status: criteria provided, single submitter. Criteria: Myriad Autosomal Dominant, Autosomal Recessive and X-Linked Classification Criteria (2023). Collection method: clinical testing. Allele origin: unknown.
Comment: This variant is considered benign. This variant is a silent/synonymous amino acid change and it is not expected to impact splicing.

Labcorp Genetics (formerly Invitae), Labcorp
Classification: Likely benign for Familial cancer of breast. Last evaluated: 2023-04-07. Review status: criteria provided, single submitter. Criteria: Invitae Variant Classification Sherloc (09022015). Collection method: clinical testing. Allele origin: germline.

Ambry Genetics
Classification: Likely benign for Hereditary cancer-predisposing syndrome. Last evaluated: 2016-08-16. Review status: criteria provided, single submitter. Criteria: Ambry Variant Classification Scheme 2023. Collection method: clinical testing. Allele origin: germline.

Leiden Open Variation Database
Classification: Benign for Familial cancer of breast. Last evaluated: 2019-05-13. Review status: no assertion criteria provided. Collection method: curation. Allele origin: germline. Affected: yes. Not counted in ClinVar's aggregate classification.
Comment: Curators: Marc Tischkowitz, Arleen D. Auerbach. Submitter to LOVD: Marc Tischkowitz.

Literature cited by the submitters: PubMed 21932393 (cited by Leiden Open Variation Database).